The following is an entry in ClinVar:

NM_000059.4(BRCA2):c.3202G>A (p.Val1068Ile)

Gene: BRCA2 (BRCA2 DNA repair associated; plus strand). Cytogenetic location: 13q13.1.
Variant type: single nucleotide variant.
Coding change: c.3202G>A on transcript NM_000059.4 (MANE Select); coding-DNA position 3202, G replaced by A.
Protein change: p.Val1068Ile; replaces valine 1068 with isoleucine.
Molecular consequence: missense variant. On other transcripts: non-coding transcript variant (1), intron variant (2).
Genome position (GRCh38, 1-based): chr13:32,337,557, G>A. VCF-style: chr13-32337557-G-A. GRCh37 (hg19) VCF-style: chr13-32911694-G-A.
Other names: c.3202G>A, p.Val1068Ile (NM_001406719.1, NM_001406720.1); c.1909+4170G>A (NM_001406721.1); c.424+6527G>A (NM_001406722.1); short protein forms V1068I.
Identifiers: ClinVar variation 2586318 (VCV002586318.5), dbSNP rs2072474920, ClinGen allele CA387775867.
Genomic context (GRCh38, chr13:32,337,557, plus strand): 5'-GTAAATACCTTGGCATTAGATAATCAAAAGAAACTGAGCAAGCCTCAGTCAATTAATACT[G>A]TATCTGCACATTTACAGAGTAGTGTAGTTGTTTCTGATTGTAAAAATAGTCATATAACCC-3'
Protein context (NP_000050.3, residues 1058-1078): KLSKPQSINT[Val1068Ile]SAHLQSSVVV

ClinVar aggregate classification (germline): Uncertain significance. Review status: criteria provided, multiple submitters, no conflicts (2 of 4 stars). 2 submissions from 2 submitters: Uncertain significance (2). Last evaluated 2023-09-07.

Conditions:
Hereditary breast ovarian cancer syndrome. Also called: BRCA1- and BRCA2-Associated Hereditary Breast and Ovarian Cancer; Hereditary breast and ovarian cancer; Hereditary breast and ovarian cancer syndrome (HBOC); Breast and ovarian cancer; Hereditary breast and ovarian cancer syndrome; Hereditary breast and/or ovarian cancer syndrome. Identifiers: Orphanet 145, MedGen C0677776, MeSH D061325, MONDO:0003582. Disease mechanism: loss of function.
Hereditary cancer-predisposing syndrome. Also called: Hereditary neoplastic syndrome; Tumor predisposition; Hereditary Cancer Syndrome; Neoplastic Syndromes, Hereditary. Identifiers: Orphanet 140162, MedGen C0027672, MeSH D009386, MONDO:0015356.

Allele frequency attached by ClinVar (database versions not stated): gnomAD exomes below 0.00001; gnomAD 0.00001.
gnomAD v4.1: 2 of 1,606,996 alleles (0.00012%); highest among the groups gnomAD compares: Non-Finnish European, 0.00017%; no homozygotes.

Submissions (2):

Ambry Genetics
Classification: Uncertain significance for Hereditary cancer-predisposing syndrome. Last evaluated: 2023-09-07. Review status: criteria provided, single submitter. Criteria: Ambry Variant Classification Scheme 2023. Collection method: clinical testing. Allele origin: germline.
Comment: The p.V1068I variant (also known as c.3202G>A), located in coding exon 10 of the BRCA2 gene, results from a G to A substitution at nucleotide position 3202. The valine at codon 1068 is replaced by isoleucine, an amino acid with highly similar properties. This amino acid position is not well conserved in available vertebrate species. In addition, this alteration is predicted to be tolerated by in silico analysis. Since supporting evidence is limited at this time, the clinical significance of this alteration remains unclear.

Labcorp Genetics (formerly Invitae), Labcorp
Classification: Uncertain significance for Hereditary breast ovarian cancer syndrome. Last evaluated: 2023-01-11. Review status: criteria provided, single submitter. Criteria: Invitae Variant Classification Sherloc (09022015). Collection method: clinical testing. Allele origin: germline.
Comment: In summary, the available evidence is currently insufficient to determine the role of this variant in disease. Therefore, it has been classified as a Variant of Uncertain Significance. Advanced modeling of protein sequence and biophysical properties (such as structural, functional, and spatial information, amino acid conservation, physicochemical variation, residue mobility, and thermodynamic stability) performed at Invitae indicates that this missense variant is not expected to disrupt BRCA2 protein function. This variant has not been reported in the literature in individuals affected with BRCA2-related conditions. This variant is not present in population databases (gnomAD no frequency). This sequence change replaces valine, which is neutral and non-polar, with isoleucine, which is neutral and non-polar, at codon 1068 of the BRCA2 protein (p.Val1068Ile).